The following is an entry in ClinVar:

NM_006160.4(NEUROD2):c.386G>A (p.Arg129Gln)

Gene: NEUROD2 (neuronal differentiation 2; minus strand). Cytogenetic location: 17q12.
Variant type: single nucleotide variant.
Coding change: c.386G>A on transcript NM_006160.4 (MANE Select); coding-DNA position 386, G replaced by A.
Protein change: p.Arg129Gln; replaces arginine 129 with glutamine.
Molecular consequence: missense variant.
Genome position (GRCh38, 1-based): chr17:39,606,214, C>T on the plus strand (G>A on the coding strand, the complement: NEUROD2 is on the minus strand). VCF-style: chr17-39606214-C-T. GRCh37 (hg19) VCF-style: chr17-37762467-C-T.
Other names: short protein forms R129Q.
Identifiers: ClinVar variation 3897215 (VCV003897215.1).
Genomic context (GRCh38, chr17:39,606,214, plus strand): 5'-GGCACCACCTTGCGCAGGTTGTCCAGGGCTGCGTTCAGGTCGTGCATGCGGTTGCGCTCC[C>T]GCGCGTTCGCCTTCTGCCGCCGAAGCTTGGAGCGCTCCAAGCGCGCCTTGGTCATCTTGC-3'
Protein context (NP_006151.3, residues 119-139): SKLRRQKANA[Arg129Gln]ERNRMHDLNA

ClinVar aggregate classification (germline): Likely pathogenic (1 of 4 stars; one submission).

Submission:

GeneDx
Classification: Likely pathogenic. Last evaluated: 2024-11-05. Review status: criteria provided, single submitter. Criteria: GeneDx Variant Classification Process June 2021. Collection method: clinical testing. Allele origin: germline. Affected: yes.
Comment: Not observed at significant frequency in large population cohorts (gnomAD); In silico analysis supports that this missense variant has a deleterious effect on protein structure/function; Has not been previously published as pathogenic or benign to our knowledge